The following is an entry in ClinVar:

NM_001379451.1(BCORL1):c.3415G>A (p.Val1139Met)

Gene: BCORL1 (BCL6 corepressor like 1; plus strand). Cytogenetic location: Xq26.1.
Variant type: single nucleotide variant.
Coding change: c.3415G>A on transcript NM_001379451.1 (MANE Select); coding-DNA position 3415, G replaced by A.
Protein change: p.Val1139Met; replaces valine 1139 with methionine.
Molecular consequence: missense variant.
Genome position (GRCh38, 1-based): chrX:130,016,187, G>A. VCF-style: chrX-130016187-G-A. GRCh37 (hg19) VCF-style: chrX-129150163-G-A.
Other names: c.3415G>A, p.Val1139Met (NM_001184772.3, NM_001379450.1, NM_021946.5); short protein forms V1139M.
Identifiers: ClinVar variation 2661418 (VCV002661418.25), dbSNP rs775294671, ClinGen allele CA10514500.
Genomic context (GRCh38, chrX:130,016,187, plus strand): 5'-ATGAAGTGCGGCAAAGAGAAGGACAGTGAAGAGCAGCAGCTCCAGCCACAAGCCAAGGCC[G>A]TGGTCCGGAGTTCCCACAGACCCAAGGTGAGTGCTGAGCTAAGGTCCAGGGTGGGGCCGA-3'
Protein context (NP_001366380.1, residues 1129-1149): EQQLQPQAKA[Val1139Met]VRSSHRPKCR

ClinVar aggregate classification (germline): Likely benign. Review status: criteria provided, multiple submitters, no conflicts (2 of 4 stars). 2 submissions from 2 submitters: Likely benign (2). Last evaluated 2024-01-03.

Allele frequency attached by ClinVar (database versions not stated): gnomAD exomes 0.00001.
gnomAD v4.1: 16 of 1,202,787 alleles (0.0013%); highest among the groups gnomAD compares: Middle Eastern, 0.023%; no homozygotes.

Submissions (2):

Ambry Genetics
Classification: Likely benign. Last evaluated: 2024-01-03. Review status: criteria provided, single submitter. Criteria: Ambry Variant Classification Scheme 2023. Collection method: clinical testing. Allele origin: germline.

CeGaT Center for Human Genetics Tuebingen
Classification: Likely benign. Last evaluated: 2022-08-01. Review status: criteria provided, single submitter. Criteria: CeGaT Center For Human Genetics Tuebingen Variant Classification Criteria Version 2. Collection method: clinical testing. Allele origin: germline. Affected: yes. Observed: 1 variant allele.
Comment: BCORL1: BP4